The following is an entry in ClinVar:

NM_018089.3(ANKZF1):c.153_154del (p.Glu55fs)

Gene: ANKZF1 (ankyrin repeat and zinc finger peptidyl tRNA hydrolase 1; plus strand). Cytogenetic location: 2q35.
Variant type: Deletion.
Coding change: c.153_154del on transcript NM_018089.3 (MANE Select); coding-DNA positions 153 to 154, 2 bases deleted (AG; older notation c.153_154delAG).
Protein change: p.Glu55fs; shifts the reading frame from glutamic acid 55.
Molecular consequence: frameshift variant. On other transcripts: intron variant (1).
Genome position (GRCh38, 1-based): chr2:219,231,932-219,231,933, AG deleted. VCF-style (leftmost placement, unchanged base first): chr2-219231931-CAG-C. GRCh37 (hg19) VCF-style: chr2-220096653-CAG-C.
Other names: c.153_154del, p.Glu55fs (NM_001042410.2); c.-266-558_-266-557del (NM_001282792.2); short protein forms E55fs.
Identifiers: ClinVar variation 1906468 (VCV001906468.5), dbSNP rs751390930, ClinGen allele CA2120661.

ClinVar aggregate classification (germline): Uncertain significance (1 of 4 stars; one submission).

Allele frequency attached by ClinVar (database versions not stated): ExAC 0.00001; gnomAD 0.00001; gnomAD exomes 0.00001; TOPMed 0.00001; ESP Exome Variant Server 0.00009.

Submission:

Labcorp Genetics (formerly Invitae), Labcorp
Classification: Uncertain significance. Last evaluated: 2025-07-27. Review status: criteria provided, single submitter. Criteria: Invitae Variant Classification Sherloc (09022015). Collection method: clinical testing. Allele origin: germline.
Comment: This sequence change creates a premature translational stop signal (p.Glu55Lysfs*23) in the ANKZF1 gene. It is expected to result in an absent or disrupted protein product. However, the current clinical and genetic evidence is not sufficient to establish whether loss-of-function variants in ANKZF1 cause disease. This variant is present in population databases (rs751390930, gnomAD 0.002%). This variant has not been reported in the literature in individuals affected with ANKZF1-related conditions. ClinVar contains an entry for this variant (Variation ID: 1906468). In summary, the available evidence is currently insufficient to determine the role of this variant in disease. Therefore, it has been classified as a Variant of Uncertain Significance.